The following is an entry in ClinVar:

NM_170682.4(P2RX2):c.538G>A (p.Asp180Asn)

Gene: P2RX2 (purinergic receptor P2X 2; plus strand). Cytogenetic location: 12q24.33.
Variant type: single nucleotide variant.
Coding change: c.538G>A on transcript NM_170682.4 (MANE Select); coding-DNA position 538, G replaced by A.
Protein change: p.Asp180Asn; replaces aspartic acid 180 with asparagine.
Molecular consequence: missense variant.
Genome position (GRCh38, 1-based): chr12:132,620,080, G>A. VCF-style: chr12-132620080-G-A. GRCh37 (hg19) VCF-style: chr12-133196666-G-A.
Other names: c.431G>A, p.Arg144Lys (NM_001282164.2); c.538G>A, p.Asp180Asn (NM_001282165.2, NM_170683.4, NM_174873.3); c.322G>A, p.Asp108Asn (NM_012226.5); c.466G>A, p.Asp156Asn (NM_016318.4); c.262G>A, p.Asp88Asn (NM_174872.3); short protein forms R144K, D108N, D156N, D88N, D180N.
Identifiers: ClinVar variation 3207618 (VCV003207618.2), dbSNP rs1322093137, ClinGen allele CA387359426.

ClinVar aggregate classification (germline): Uncertain significance. Review status: criteria provided, multiple submitters, no conflicts (2 of 4 stars). 2 submissions from 2 submitters: Uncertain significance (2). Last evaluated 2025-06-15.

Allele frequency attached by ClinVar (database versions not stated): TOPMed 0.00001; gnomAD 0.00002; gnomAD exomes 0.00002.

Submissions (2):

Labcorp Genetics (formerly Invitae), Labcorp
Classification: Uncertain significance. Last evaluated: 2025-06-15. Review status: criteria provided, single submitter. Criteria: Invitae Variant Classification Sherloc (09022015). Collection method: clinical testing. Allele origin: germline.
Comment: This sequence change replaces aspartic acid, which is acidic and polar, with asparagine, which is neutral and polar, at codon 180 of the P2RX2 protein (p.Asp180Asn). This variant is present in population databases (no rsID available, gnomAD 0.005%). This variant has not been reported in the literature in individuals affected with P2RX2-related conditions. ClinVar contains an entry for this variant (Variation ID: 3207618). Invitae Evidence Modeling of protein sequence and biophysical properties (such as structural, functional, and spatial information, amino acid conservation, physicochemical variation, residue mobility, and thermodynamic stability) indicates that this missense variant is not expected to disrupt P2RX2 protein function with a negative predictive value of 80%. In summary, the available evidence is currently insufficient to determine the role of this variant in disease. Therefore, it has been classified as a Variant of Uncertain Significance.

Ambry Genetics
Classification: Uncertain significance. Last evaluated: 2023-11-03. Review status: criteria provided, single submitter. Criteria: Ambry Variant Classification Scheme 2023. Collection method: clinical testing. Allele origin: germline.